The following is an entry in ClinVar:

ClinVar aggregate classification (germline): Pathogenic/Likely pathogenic. Review status: criteria provided, multiple submitters, no conflicts (2 of 4 stars). 10 submissions from 10 submitters: Pathogenic (7); Likely pathogenic (2). 1 of the submissions does not count toward it. Last evaluated 2026-03-16.

Conditions:
SLC4A11-related disorder. Also called: SLC4A11-related condition.
Congenital hereditary endothelial dystrophy of cornea. Also called: Corneal endothelial dystrophy, autosomal recessive; CORNEAL DYSTROPHY, CONGENITAL HEREDITARY ENDOTHELIAL; Congenital hereditary endothelial dystrophy type II; Congenital hereditary endothelial dystrophy of the cornea; Maumenee corneal dystrophy. Identifiers: Orphanet 293603, MedGen C1857569, MONDO:0009019, OMIM 217700.
Corneal dystrophy-perceptive deafness syndrome (CDPD). Also called: CORNEAL DYSTROPHY AND SENSORINEURAL DEAFNESS; HARBOYAN SYNDROME. Identifiers: Orphanet 1490, MedGen C1857572, MONDO:0009015, OMIM 217400.
Corneal dystrophy, Fuchs endothelial, 4 (FECD4). Identifiers: Orphanet 98974, MedGen C2750450, MONDO:0013204, OMIM 613268.

Allele frequency attached by ClinVar (database versions not stated): ExAC 0.00001; gnomAD exomes 0.00002 and 0.00004; TOPMed 0.00003; gnomAD 0.00005.
gnomAD v4.1: 72 of 1,612,944 alleles (0.0045%); highest among the groups gnomAD compares: Non-Finnish European, 0.0058%; no homozygotes.

Submissions (10):

Dasa
Classification: Pathogenic. Last evaluated: 2026-03-16. Review status: criteria provided, single submitter. Criteria: DASA Assertion Criteria. Collection method: clinical testing. Allele origin: germline.
Comment: NM_001174089.2(SLC4A11):c.2480T>C (p.Leu827Pro) is a missense variant that results in the substitution of leucine with proline. Segregation evidence has been reported in affected families. This variant has been recurrently observed in affected individuals with related phenotype in a genotype context consistent with recessive disease (PMID: 17220209; PMID: 27057589; PMID: 31323090; PMID: 24916015; PMID: 29327391). Functional evidence supports a deleterious effect on the gene or gene product (PMID: 17220209; PMID: 27057589; PMID: 31323090; PMID: 24916015; PMID: 29327391). Multiple computational predictions support a deleterious effect on the gene or gene product. The variant is present at low frequency in population datasets. Based on the available data, this variant is classified as pathogenic.

Labcorp Genetics (formerly Invitae), Labcorp
Classification: Pathogenic. Last evaluated: 2026-01-03. Review status: criteria provided, single submitter. Criteria: Invitae Variant Classification Sherloc (09022015). Collection method: clinical testing. Allele origin: germline.
Comment: This sequence change replaces leucine, which is neutral and non-polar, with proline, which is neutral and non-polar, at codon 843 of the SLC4A11 protein (p.Leu843Pro). This variant is present in population databases (rs121909394, gnomAD 0.005%). This missense change has been observed in individual(s) with Harboyan syndrome (PMID: 17220209, 27057589). In at least one individual the data is consistent with being in trans (on the opposite chromosome) from a pathogenic variant. It has also been observed to segregate with disease in related individuals. ClinVar contains an entry for this variant (Variation ID: 1316). Invitae Evidence Modeling of protein sequence and biophysical properties (such as structural, functional, and spatial information, amino acid conservation, physicochemical variation, residue mobility, and thermodynamic stability) indicates that this missense variant is expected to disrupt SLC4A11 protein function with a positive predictive value of 95%. Experimental studies have shown that this missense change affects SLC4A11 function (PMID: 24916015, 29327391). For these reasons, this variant has been classified as Pathogenic.

Natera, Inc.
Classification: Pathogenic for Corneal dystrophy-perceptive deafness syndrome. Last evaluated: 2025-11-10. Review status: criteria provided, single submitter. Criteria: Natera Variant Classification Schema (03/2026). Collection method: clinical testing. Allele origin: germline.
Comment: The c.2528T>C variant in SLC4A11 is a missense variant predicted to cause substitution of leucine to proline at amino acid 843. This variant is rare in the general population with a frequency below the threshold expected for the associated phenotype(s). This variant has been observed in one or more individuals affected with the associated recessive disease, as either homozygous or compound heterozygous with a second variant (PMID: 17220209). Given the available evidence, this variant is classified as Pathogenic.

CeGaT Center for Human Genetics Tuebingen
Classification: Pathogenic. Last evaluated: 2025-06-01. Review status: criteria provided, single submitter. Criteria: CeGaT Center For Human Genetics Tuebingen Variant Classification Criteria Version 2. Collection method: clinical testing. Allele origin: germline. Affected: yes. Observed: 2 variant alleles.
Comment: SLC4A11: PM3:Strong, PP1:Strong, PM2, PP3, PS3:Supporting

Blueprint Genetics
Classification: Likely pathogenic for SLC4A11-related disorders. Last evaluated: 2024-11-15. Review status: criteria provided, single submitter. Criteria: ACMG Guidelines, 2015. Collection method: clinical testing. Allele origin: germline. Affected: yes. Observed: 5 variant alleles.

Fulgent Genetics
Classification: Pathogenic for Corneal dystrophy-perceptive deafness syndrome; Congenital hereditary endothelial dystrophy of cornea; Corneal dystrophy, Fuchs endothelial, 4. Last evaluated: 2024-03-26. Review status: criteria provided, single submitter. Criteria: ACMG Guidelines, 2015. Collection method: clinical testing. Allele origin: germline.

3billion
Classification: Pathogenic for Congenital hereditary endothelial dystrophy of cornea. Last evaluated: 2024-01-04. Review status: criteria provided, single submitter. Criteria: ACMG Guidelines, 2015. Collection method: clinical testing. Allele origin: germline. Affected: yes.
Comment: The variant is observed at an extremely low frequency in the gnomAD v2.1.1 dataset (total allele frequency: 0.002%). Predicted Consequence/Location: Missense variant In silico tool predictions suggest damaging effect of the variant on gene or gene product [REVEL: 0.89 (>=0.6, sensitivity 0.68 and specificity 0.92); 3Cnet: 0.85 (>=0.6, sensitivity 0.72 and precision 0.9)]. Same nucleotide change resulting in same amino acid change has been previously reported as pathogenic/likely pathogenic with strong evidence (ClinVar ID: VCV000001316 /PMID: 17220209).The variant has been reported to be in trans with a pathogenic variant as either compound heterozygous or homozygous in at least 2 similarly affected unrelated individuals (PMID: 17220209).The variant has been reported to co-segregate with the disease in at least 5 similarly affected relatives/individuals in the same family or similarly affected unrelated family (PMID: 27057589). Therefore, this variant is classified as Pathogenic according to the recommendation of ACMG/AMP guideline.

Women's Health and Genetics/Laboratory Corporation of America, LabCorp
Classification: Pathogenic for Corneal dystrophy-perceptive deafness syndrome. Last evaluated: 2023-04-12. Review status: criteria provided, single submitter. Criteria: LabCorp Variant Classification Summary - May 2015. Collection method: clinical testing. Allele origin: germline.
Comment: Variant summary: SLC4A11 c.2528T>C (p.Leu843Pro) results in a non-conservative amino acid change located in the transmembrane region 14 (TM14) (Badior_2016) of the encoded protein sequence. Four of five in-silico tools predict a damaging effect of the variant on protein function. The variant allele was found at a frequency of 1.6e-05 in 251080 control chromosomes (gnomAD). c.2528T>C has been reported in the literature in multiple compound heterozygous and homozygous individuals affected with Corneal Dystrophy And Perceptive Deafness (Desir_2007, Hand_2016). In addition, this variant was co-segregated with disease in one family (Hand_2016). These data indicate that the variant is very likely to be associated with disease. At least two functional studies reported this variant failed to reach the cell surface in transfected cells (Loganathan_2014, Alka_2018). Four ClinVar submitters (evaluation after 2014) cite this variant as pathogenic (n=3) and likely pathogenic (n=1). Based on the evidence outlined above, the variant was classified as pathogenic.

Eurofins Ntd Llc (ga)
Classification: Likely pathogenic. Last evaluated: 2017-04-12. Review status: criteria provided, single submitter. Criteria: EGL Classification Definitions 2015. Collection method: clinical testing. Allele origin: germline. Observed: 1 variant allele, 1 heterozygote.

OMIM
Classification: Pathogenic for CORNEAL DYSTROPHY AND PERCEPTIVE DEAFNESS. Last evaluated: 2007-05-01. Review status: no assertion criteria provided. Collection method: literature only. Allele origin: germline. Not counted in ClinVar's aggregate classification.

Literature cited by the submitters: PubMed 17220209 (cited by 6 submitters); PubMed 27057589 (cited by 4 submitters); PubMed 31323090 (cited by Dasa); PubMed 24916015 (cited by 3 submitters); PubMed 29327391 (cited by 3 submitters); PubMed 27925686 (cited by Women's Health and Genetics/Laboratory Corporation of America, LabCorp); PubMed 30140924 (cited by Women's Health and Genetics/Laboratory Corporation of America, LabCorp).

NM_001174089.2(SLC4A11):c.2480T>C (p.Leu827Pro)

Gene: SLC4A11 (solute carrier family 4 member 11; minus strand). Cytogenetic location: 20p13.
Variant type: single nucleotide variant.
Coding change: c.2480T>C on transcript NM_001174089.2 (MANE Select); coding-DNA position 2480, T replaced by C.
Protein change: p.Leu827Pro; replaces leucine 827 with proline.
Molecular consequence: missense variant. On other transcripts: non-coding transcript variant (1).
Genome position (GRCh38, 1-based): chr20:3,228,337, A>G on the plus strand (T>C on the coding strand, the complement: SLC4A11 is on the minus strand). VCF-style: chr20-3228337-A-G. GRCh37 (hg19) VCF-style: chr20-3208983-A-G.
Other names: c.2609T>C, p.Leu870Pro (NM_001174090.2); c.2366T>C, p.Leu789Pro (NM_001363745.2); c.2528T>C, p.Leu843Pro (NM_032034.4); short protein forms L843P, L827P, L789P, L870P.
Identifiers: ClinVar variation 1316 (VCV000001316.28), dbSNP rs121909394, ClinGen allele CA114920.